The following is an entry in ClinVar:

ClinVar aggregate classification (germline): Uncertain significance (1 of 4 stars; one submission).

Conditions:
Developmental and epileptic encephalopathy, 23 (DEE23). Also called: Epileptic encephalopathy, early infantile, 23. Identifiers: Orphanet 411986, MedGen C4014492, MONDO:0014371, OMIM 615859.

Allele frequency attached by ClinVar (database versions not stated): gnomAD exomes below 0.00001; gnomAD 0.00001; TOPMed below 0.00001; ExAC 0.00001.
gnomAD v4.1: 8 of 1,613,350 alleles (0.0005%); highest among the groups gnomAD compares: South Asian, 0.0011%; no homozygotes.

Submission:

Labcorp Genetics (formerly Invitae), Labcorp
Classification: Uncertain significance for Developmental and epileptic encephalopathy, 23. Last evaluated: 2021-06-25. Review status: criteria provided, single submitter. Criteria: Invitae Variant Classification Sherloc (09022015). Collection method: clinical testing. Allele origin: germline.
Comment: This sequence change replaces arginine with glutamine at codon 1228 of the DOCK7 protein (p.Arg1228Gln). The arginine residue is highly conserved and there is a small physicochemical difference between arginine and glutamine. In summary, the available evidence is currently insufficient to determine the role of this variant in disease. Therefore, it has been classified as a Variant of Uncertain Significance. Algorithms developed to predict the effect of missense changes on protein structure and function are either unavailable or do not agree on the potential impact of this missense change (SIFT: "Deleterious"; PolyPhen-2: "Probably Damaging"; Align-GVGD: "Class C0"). This variant has not been reported in the literature in individuals with DOCK7-related conditions. This variant is present in population databases (rs758258421, ExAC 0.001%).

NM_001367561.1(DOCK7):c.3683G>A (p.Arg1228Gln)

Gene: DOCK7 (dedicator of cytokinesis 7; minus strand). Cytogenetic location: 1p31.3.
Variant type: single nucleotide variant.
Coding change: c.3683G>A on transcript NM_001367561.1 (MANE Select); coding-DNA position 3683, G replaced by A.
Protein change: p.Arg1228Gln; replaces arginine 1228 with glutamine.
Molecular consequence: missense variant.
Genome position (GRCh38, 1-based): chr1:62,529,375, C>T on the plus strand (G>A on the coding strand, the complement: DOCK7 is on the minus strand). VCF-style: chr1-62529375-C-T. GRCh37 (hg19) VCF-style: chr1-62995046-C-T.
Other names: c.3683G>A, p.Arg1228Gln (NM_001271999.2, NM_001330614.2); c.3590G>A, p.Arg1197Gln (NM_001272000.2, NM_001272001.2, NM_033407.4); short protein forms R1197Q, R1228Q.
Identifiers: ClinVar variation 1363288 (VCV001363288.7), dbSNP rs758258421, ClinGen allele CA885917.